The following is an entry in ClinVar:

NM_001044385.3(TMEM237):c.721G>A (p.Val241Met)

Gene: TMEM237 (transmembrane protein 237; minus strand). Cytogenetic location: 2q33.1.
Variant type: single nucleotide variant.
Coding change: c.721G>A on transcript NM_001044385.3 (MANE Select); coding-DNA position 721, G replaced by A.
Protein change: p.Val241Met; replaces valine 241 with methionine.
Molecular consequence: missense variant.
Genome position (GRCh38, 1-based): chr2:201,629,378, C>T on the plus strand (G>A on the coding strand, the complement: TMEM237 is on the minus strand). VCF-style: chr2-201629378-C-T. GRCh37 (hg19) VCF-style: chr2-202494101-C-T.
Other names: c.697G>A, p.Val233Met (NM_152388.4); c.721G>A (NM_001044385.1); short protein forms V233M, V241M.
Identifiers: ClinVar variation 965352 (VCV000965352.10), dbSNP rs759814109, ClinGen allele CA2056404.
Genomic context (GRCh38, chr2:201,629,378, plus strand): 5'-GGTTTGAGAGGTTGGATAGCTGATCTCCTGCTAGAACATATATCACAACAATATTCCACA[C>T]AGCACAGCCAGCCAAGAATCCATGAGAAAAGAGACCAATCATCCTGAATGGAAAAGGGTT-3'
Protein context (NP_001037850.1, residues 231-251): FSHGFLAGCA[Val241Met]WNIVVIYVLA

ClinVar aggregate classification (germline): Uncertain significance. Review status: criteria provided, multiple submitters, no conflicts (2 of 4 stars). 2 submissions from 2 submitters: Uncertain significance (2). Last evaluated 2025-10-17.

Conditions:
Inborn genetic diseases. Identifiers: MedGen C0950123, MeSH D030342.
Joubert syndrome 14 (JBTS14). Identifiers: MedGen C3280766, MONDO:0013745, OMIM 614424.

Allele frequency attached by ClinVar (database versions not stated): ExAC 0.00001; gnomAD 0.00001; gnomAD exomes 0.00002; TOPMed 0.00002.

Submissions (2):

Ambry Genetics
Classification: Uncertain significance for Inborn genetic diseases. Last evaluated: 2025-10-17. Review status: criteria provided, single submitter. Criteria: Ambry Variant Classification Scheme 2023. Collection method: clinical testing. Allele origin: germline.

Labcorp Genetics (formerly Invitae), Labcorp
Classification: Uncertain significance for Joubert syndrome 14. Last evaluated: 2025-03-07. Review status: criteria provided, single submitter. Criteria: Invitae Variant Classification Sherloc (09022015). Collection method: clinical testing. Allele origin: germline.
Comment: This sequence change replaces valine, which is neutral and non-polar, with methionine, which is neutral and non-polar, at codon 241 of the TMEM237 protein (p.Val241Met). This variant is present in population databases (rs759814109, gnomAD 0.004%). This variant has not been reported in the literature in individuals affected with TMEM237-related conditions. ClinVar contains an entry for this variant (Variation ID: 965352). Invitae Evidence Modeling of protein sequence and biophysical properties (such as structural, functional, and spatial information, amino acid conservation, physicochemical variation, residue mobility, and thermodynamic stability) indicates that this missense variant is not expected to disrupt TMEM237 protein function with a negative predictive value of 80%. In summary, the available evidence is currently insufficient to determine the role of this variant in disease. Therefore, it has been classified as a Variant of Uncertain Significance.